The following is an entry in ClinVar:

NM_000350.3(ABCA4):c.4945C>T (p.Pro1649Ser)

Genes: ABCA4 (ATP binding cassette subfamily A member 4; minus strand), LOC126805793 (CDK7 strongly-dependent group 2 enhancer GRCh37_chr1:94486302-94487501; plus strand). Cytogenetic location: 1p22.1.
Variant type: single nucleotide variant.
Coding change: c.4945C>T on transcript NM_000350.3 (MANE Select); coding-DNA position 4945, C replaced by T.
Protein change: p.Pro1649Ser; replaces proline 1649 with serine.
Molecular consequence: missense variant.
Genome position (GRCh38, 1-based): chr1:94,021,313, G>A on the plus strand (C>T on the coding strand, the complement: ABCA4 is on the minus strand). VCF-style: chr1-94021313-G-A. GRCh37 (hg19) VCF-style: chr1-94486869-G-A.
Other names: c.4723C>T, p.Pro1575Ser (NM_001425324.1); short protein forms P1649S, P1575S.
Identifiers: ClinVar variation 298231 (VCV000298231.54), dbSNP rs886046563, ClinGen allele CA10611704.

ClinVar aggregate classification (germline): Uncertain significance. Review status: criteria provided, multiple submitters, no conflicts (2 of 4 stars). 5 submissions from 5 submitters: Uncertain significance (5). Last evaluated 2026-08-31.

Conditions:
Inborn genetic diseases. Identifiers: MedGen C0950123, MeSH D030342.
ABCA4-related disorder. Also called: ABCA4-related condition; ABCA4-related disorders. Identifiers: MedGen CN239167.

Allele frequency attached by ClinVar (database versions not stated): gnomAD exomes 0.00001 and below 0.00001; TOPMed below 0.00001; gnomAD 0.00001.
gnomAD v4.1: 22 of 1,614,094 alleles (0.0014%); highest among the groups gnomAD compares: Non-Finnish European, 0.0018%; no homozygotes.

Submissions (5):

Ambry Genetics
Classification: Uncertain significance for Inborn genetic diseases. Last evaluated: 2026-08-31. Review status: criteria provided, single submitter. Criteria: Ambry Variant Classification Scheme 2023. Collection method: clinical testing. Allele origin: germline.

Blueprint Genetics
Classification: Uncertain significance. Last evaluated: 2024-08-29. Review status: criteria provided, single submitter. Criteria: ACMG Guidelines, 2015. Collection method: clinical testing. Allele origin: germline.

Labcorp Genetics (formerly Invitae), Labcorp
Classification: Uncertain significance. Last evaluated: 2021-11-18. Review status: criteria provided, single submitter. Criteria: Invitae Variant Classification Sherloc (09022015). Collection method: clinical testing. Allele origin: germline.
Comment: This sequence change replaces proline, which is neutral and non-polar, with serine, which is neutral and polar, at codon 1649 of the ABCA4 protein (p.Pro1649Ser). This variant is present in population databases (no rsID available, gnomAD 0.002%). This variant has not been reported in the literature in individuals affected with ABCA4-related conditions. ClinVar contains an entry for this variant (Variation ID: 298231). Algorithms developed to predict the effect of missense changes on protein structure and function (SIFT, PolyPhen-2, Align-GVGD) all suggest that this variant is likely to be disruptive. In summary, the available evidence is currently insufficient to determine the role of this variant in disease. Therefore, it has been classified as a Variant of Uncertain Significance.

ARUP Laboratories, Molecular Genetics and Genomics, ARUP Laboratories
Classification: Uncertain significance. Last evaluated: 2019-11-28. Review status: criteria provided, single submitter. Criteria: ARUP Molecular Germline Variant Investigation Process. Collection method: clinical testing. Allele origin: germline.
Comment: The ABCA4 p.Pro1649Ser variant (rs886046563), to our knowledge, has not been reported in the medical literature; however, this variant is listed in the ClinVar database (Variation ID: 298231). This variant is only observed on two alleles in the Genome Aggregation Database, indicating it is not a common polymorphism. The proline at codon 1649 is highly conserved (Alamut v.2.11) but computational analyses (SIFT: Tolerated, PolyPhen-2: Possibly damaging) predict conflicting effects of this variant on protein structure/function. Due to limited information, the clinical significance of the p.Pro1649Ser variant is uncertain at this time.

Illumina Laboratory Services, Illumina
Classification: Uncertain significance for ABCA4-Related Disorders. Last evaluated: 2018-01-12. Review status: criteria provided, single submitter. Criteria: ICSL Variant Classification Criteria 13 December 2019. Collection method: clinical testing. Allele origin: germline.